The following is an entry in ClinVar:

ClinVar aggregate classification (germline): Uncertain significance (1 of 4 stars; one submission).

Submission:

GeneDx
Classification: Uncertain significance. Last evaluated: 2024-08-06. Review status: criteria provided, single submitter. Criteria: GeneDx Variant Classification Process June 2021. Collection method: clinical testing. Allele origin: germline. Affected: yes.
Comment: Not observed at significant frequency in large population cohorts (gnomAD); In silico analysis supports that this missense variant has a deleterious effect on protein structure/function; Has not been previously published as pathogenic or benign to our knowledge

NM_005862.3(STAG1):c.1679A>C (p.Gln560Pro)

Gene: STAG1 (STAG1 cohesin complex component; minus strand). Cytogenetic location: 3q22.3.
Variant type: single nucleotide variant.
Coding change: c.1679A>C on transcript NM_005862.3 (MANE Select); coding-DNA position 1679, A replaced by C.
Protein change: p.Gln560Pro; replaces glutamine 560 with proline.
Molecular consequence: missense variant.
Genome position (GRCh38, 1-based): chr3:136,423,016, T>G on the plus strand (A>C on the coding strand, the complement: STAG1 is on the minus strand). VCF-style: chr3-136423016-T-G. GRCh37 (hg19) VCF-style: chr3-136141858-T-G.
Other names: short protein forms Q560P.
Identifiers: ClinVar variation 3730945 (VCV003730945.1).